The following is an entry in ClinVar:

NM_020937.4(FANCM):c.727G>A (p.Ala243Thr)

Gene: FANCM (FA complementation group M; plus strand). Cytogenetic location: 14q21.2.
Variant type: single nucleotide variant.
Coding change: c.727G>A on transcript NM_020937.4 (MANE Select); coding-DNA position 727, G replaced by A.
Protein change: p.Ala243Thr; replaces alanine 243 with threonine.
Molecular consequence: missense variant. On other transcripts: intron variant (1).
Genome position (GRCh38, 1-based): chr14:45,140,677, G>A. VCF-style: chr14-45140677-G-A. GRCh37 (hg19) VCF-style: chr14-45609880-G-A.
Other names: c.727G>A, p.Ala243Thr (NM_001308134.2); c.681+3436G>A (NM_001308133.2); short protein forms A243T.
Identifiers: ClinVar variation 2578235 (VCV002578235.2), dbSNP rs1885851749, ClinGen allele CA389589130.

ClinVar aggregate classification (germline): Uncertain significance. Review status: criteria provided, multiple submitters, no conflicts (2 of 4 stars). 2 submissions from 2 submitters: Uncertain significance (2). Last evaluated 2025-04-18.

Conditions:
Inborn genetic diseases. Identifiers: MedGen C0950123, MeSH D030342.

Allele frequency attached by ClinVar (database versions not stated): gnomAD 0.00001; TOPMed 0.00001.

Submissions (2):

Ambry Genetics
Classification: Uncertain significance for Inborn genetic diseases. Last evaluated: 2025-04-18. Review status: criteria provided, single submitter. Criteria: Ambry Variant Classification Scheme 2023. Collection method: clinical testing. Allele origin: germline.
Comment: The p.A243T variant (also known as c.727G>A), located in coding exon 3 of the FANCM gene, results from a G to A substitution at nucleotide position 727. The alanine at codon 243 is replaced by threonine, an amino acid with similar properties. This amino acid position is conserved. In addition, the in silico prediction for this alteration is inconclusive. Based on the available evidence, the clinical significance of this variant remains unclear.

GeneDx
Classification: Uncertain significance. Last evaluated: 2023-03-02. Review status: criteria provided, single submitter. Criteria: GeneDx Variant Classification Process June 2021. Collection method: clinical testing. Allele origin: germline. Affected: yes.
Comment: Not observed at significant frequency in large population cohorts (gnomAD); In silico analysis supports that this missense variant has a deleterious effect on protein structure/function; Has not been previously published as pathogenic or benign to our knowledge